The following is an entry in ClinVar:

ClinVar aggregate classification (germline): Uncertain significance (1 of 4 stars; one submission).

Allele frequency attached by ClinVar (database versions not stated): gnomAD 0.00002; ExAC 0.00003; gnomAD exomes 0.00004; TOPMed 0.00004.
gnomAD v4.1: 65 of 1,613,162 alleles (0.004%); highest among the groups gnomAD compares: African/African-American, 0.0093%; no homozygotes.

Submission:

Labcorp Genetics (formerly Invitae), Labcorp
Classification: Uncertain significance. Last evaluated: 2022-07-06. Review status: criteria provided, single submitter. Criteria: Invitae Variant Classification Sherloc (09022015). Collection method: clinical testing. Allele origin: germline.
Comment: This sequence change replaces asparagine, which is neutral and polar, with serine, which is neutral and polar, at codon 40 of the C7 protein (p.Asn40Ser). This variant is present in population databases (rs773836561, gnomAD 0.02%). This variant has not been reported in the literature in individuals affected with C7-related conditions. Algorithms developed to predict the effect of missense changes on protein structure and function output the following: SIFT: "Tolerated"; PolyPhen-2: "Benign"; Align-GVGD: "Class C0". The serine amino acid residue is found in multiple mammalian species, which suggests that this missense change does not adversely affect protein function. In summary, the available evidence is currently insufficient to determine the role of this variant in disease. Therefore, it has been classified as a Variant of Uncertain Significance.

NM_000587.4(C7):c.119A>G (p.Asn40Ser)

Gene: C7 (complement C7; plus strand). Cytogenetic location: 5p13.1.
Variant type: single nucleotide variant.
Coding change: c.119A>G on transcript NM_000587.4 (MANE Select); coding-DNA position 119, A replaced by G.
Protein change: p.Asn40Ser; replaces asparagine 40 with serine.
Molecular consequence: missense variant.
Genome position (GRCh38, 1-based): chr5:40,931,120, A>G. VCF-style: chr5-40931120-A-G. GRCh37 (hg19) VCF-style: chr5-40931222-A-G.
Other names: short protein forms N40S.
Identifiers: ClinVar variation 1921582 (VCV001921582.2), dbSNP rs773836561, ClinGen allele CA3249524.